The following is an entry in ClinVar:

NM_001211.6(BUB1B):c.826G>T (p.Asp276Tyr)

Gene: BUB1B (BUB1 mitotic checkpoint serine/threonine kinase B; plus strand). Cytogenetic location: 15q15.1.
Variant type: single nucleotide variant.
Coding change: c.826G>T on transcript NM_001211.6 (MANE Select); coding-DNA position 826, G replaced by T.
Protein change: p.Asp276Tyr; replaces aspartic acid 276 with tyrosine.
Molecular consequence: missense variant.
Genome position (GRCh38, 1-based): chr15:40,185,239, G>T. VCF-style: chr15-40185239-G-T. GRCh37 (hg19) VCF-style: chr15-40477440-G-T.
Other names: short protein forms D276Y.
Identifiers: ClinVar variation 2450802 (VCV002450802.2), dbSNP rs1314519697, ClinGen allele CA391684206.

ClinVar aggregate classification (germline): Uncertain significance (1 of 4 stars; one submission).

Conditions:
Inborn genetic diseases. Identifiers: MedGen C0950123, MeSH D030342.

Allele frequency attached by ClinVar (database versions not stated): TOPMed below 0.00001.

Submission:

Ambry Genetics
Classification: Uncertain significance for Inborn genetic diseases. Last evaluated: 2022-11-05. Review status: criteria provided, single submitter. Criteria: Ambry Variant Classification Scheme 2023. Collection method: clinical testing. Allele origin: germline.
Comment: The p.D276Y variant (also known as c.826G>T), located in coding exon 7 of the BUB1B gene, results from a G to T substitution at nucleotide position 826. The aspartic acid at codon 276 is replaced by tyrosine, an amino acid with highly dissimilar properties. This amino acid position is conserved. In addition, the in silico prediction for this alteration is inconclusive. Since supporting evidence is limited at this time, the clinical significance of this alteration remains unclear.